The following is an entry in ClinVar:

ClinVar aggregate classification (germline): Likely pathogenic (1 of 4 stars; one submission).

Conditions:
Autosomal recessive limb-girdle muscular dystrophy type 2F (LGMDR6). Also called: Muscular dystrophy limb-girdle with delta-sarcoglyan deficiency; MUSCULAR DYSTROPHY, LIMB-GIRDLE, AUTOSOMAL RECESSIVE 6. Identifiers: Orphanet 219, MedGen C1832525, MONDO:0011028, OMIM 601287. Disease mechanism: Affects gamma-sarcoglycan and also disrupts the integrity of the entire sarcoglycan complex..

Allele frequency attached by ClinVar (database versions not stated): gnomAD exomes below 0.00001.
gnomAD v4.1: 1 of 1,593,132 alleles (0.000063%); highest among the groups gnomAD compares: Admixed American, 0.0017%; no homozygotes.

Submission:

Labcorp Genetics (formerly Invitae), Labcorp
Classification: Likely pathogenic for Autosomal recessive limb-girdle muscular dystrophy type 2F. Last evaluated: 2021-11-18. Review status: criteria provided, single submitter. Criteria: Invitae Variant Classification Sherloc (09022015). Collection method: clinical testing. Allele origin: germline.
Comment: In summary, the currently available evidence indicates that the variant is pathogenic, but additional data are needed to prove that conclusively. Therefore, this variant has been classified as Likely Pathogenic. Algorithms developed to predict the effect of sequence changes on RNA splicing suggest that this variant may disrupt the consensus splice site. This variant has not been reported in the literature in individuals affected with SGCD-related conditions. This variant is not present in population databases (gnomAD no frequency). This sequence change affects an acceptor splice site in intron 7 of the SGCD gene. It is expected to disrupt RNA splicing. Variants that disrupt the donor or acceptor splice site typically lead to a loss of protein function (PMID: 16199547), and loss-of-function variants in SGCD are known to be pathogenic (PMID: 8841194, 10735275, 10838250).

Literature cited by the submitters: PubMed 16199547; PubMed 8841194; PubMed 10735275; PubMed 10838250.

NM_000337.6(SGCD):c.576-1G>C

Gene: SGCD (sarcoglycan delta; plus strand). Cytogenetic location: 5q33.3.
Variant type: single nucleotide variant.
Coding change: c.576-1G>C on transcript NM_000337.6 (MANE Select); the canonical splice acceptor site of the intron before coding-DNA position 576, G replaced by C.
Molecular consequence: splice acceptor variant.
Genome position (GRCh38, 1-based): chr5:156,757,580, G>C. VCF-style: chr5-156757580-G-C. GRCh37 (hg19) VCF-style: chr5-156184591-G-C.
Other names: c.573-1G>C (NM_001128209.2); c.576-1G>C (NM_172244.3).
Identifiers: ClinVar variation 1484842 (VCV001484842.6), dbSNP rs2113176852, ClinGen allele CA362008319.